The following is an entry in ClinVar:

NM_001267550.2(TTN):c.47291del (p.Asn15764fs)

Genes: TTN (titin; minus strand), TTN-AS1 (TTN antisense RNA 1; plus strand). Cytogenetic location: 2q31.2.
Variant type: Deletion.
Coding change: c.47291del on transcript NM_001267550.2 (MANE Select); coding-DNA position 47291, one base deleted (A; older notation c.47291delA).
Protein change: p.Asn15764fs; shifts the reading frame from asparagine 15764.
Molecular consequence: frameshift variant.
Genome position (GRCh38, 1-based): chr2:178,618,060, T deleted on the plus strand (A on the coding strand, the reverse complement: TTN is on the minus strand); the first of 2 consecutive T bases (chr2:178,618,060-178,618,061); deleting either gives the same sequence. VCF-style (leftmost placement, unchanged base first): chr2-178618059-AT-A. GRCh37 (hg19) VCF-style: chr2-179482786-AT-A.
Other names: c.42368del, p.Asn14123fs (NM_001256850.1); c.20096del, p.Asn6699fs (NM_003319.4); c.39587del, p.Asn13196fs (NM_133378.4); c.20471del, p.Asn6824fs (NM_133432.3); c.20672del, p.Asn6891fs (NM_133437.4); short protein forms N6824fs, N13196fs, N15764fs, N6699fs, N6891fs, N14123fs.
Identifiers: ClinVar variation 4784924 (VCV004784924.2).

ClinVar aggregate classification (germline): Likely pathogenic. Review status: criteria provided, multiple submitters, no conflicts (2 of 4 stars). 2 submissions from 2 submitters: Likely pathogenic (2). Last evaluated 2025-05-13.

Conditions:
TTN-related disorder. Also called: TTN-related condition; TTN-related disease; TTN-related disorders.
Dilated cardiomyopathy 1G (CMD1G). Identifiers: Orphanet 154, MedGen C1858763, MONDO:0011400, OMIM 604145.
Autosomal recessive limb-girdle muscular dystrophy type 2J (LGMDR10). Also called: Limb-girdle muscular dystrophy, type 2J; MUSCULAR DYSTROPHY, LIMB-GIRDLE, AUTOSOMAL RECESSIVE 10. Identifiers: Orphanet 140922, MedGen C1837342, MONDO:0012127, OMIM 608807.

Submissions (2):

Labcorp Genetics (formerly Invitae), Labcorp
Classification: Likely pathogenic for Dilated cardiomyopathy 1G; Autosomal recessive limb-girdle muscular dystrophy type 2J. Last evaluated: 2025-05-13. Review status: criteria provided, single submitter. Criteria: Invitae Variant Classification Sherloc (09022015). Collection method: clinical testing. Allele origin: germline.
Comment: This sequence change creates a premature translational stop signal (p.Asn15764Metfs*2) in the TTN gene. While this is not anticipated to result in nonsense mediated decay, it is expected to create a truncated TTN protein. This variant is not present in population databases (gnomAD no frequency). This variant has not been reported in the literature in individuals affected with TTN-related conditions. This variant is located in the A band of TTN (PMID: 25589632). Truncating variants in this region are significantly overrepresented in patients affected with dilated cardiomyopathy (PMID: 25589632). Truncating variants in this region have also been reported in individuals affected with autosomal recessive centronuclear myopathy (PMID: 23975875). In summary, the currently available evidence indicates that the variant is pathogenic, but additional data are needed to prove that conclusively. Therefore, this variant has been classified as Likely Pathogenic.

Blueprint Genetics
Classification: Likely pathogenic for TTN-related disorders. Last evaluated: 2024-10-16. Review status: criteria provided, single submitter. Criteria: ACMG Guidelines, 2015. Collection method: clinical testing. Allele origin: germline. Affected: yes. Observed: 3 variant alleles.

Literature cited by the submitters: PubMed 25589632 (cited by Labcorp Genetics (formerly Invitae), Labcorp); PubMed 23975875 (cited by Labcorp Genetics (formerly Invitae), Labcorp).